The following is an entry in ClinVar:

NM_000289.6(PFKM):c.1109C>G (p.Ala370Gly)

Gene: PFKM (phosphofructokinase, muscle; plus strand). Cytogenetic location: 12q13.11.
Variant type: single nucleotide variant.
Coding change: c.1109C>G on transcript NM_000289.6 (MANE Select); coding-DNA position 1109, C replaced by G.
Protein change: p.Ala370Gly; replaces alanine 370 with glycine.
Molecular consequence: missense variant. On other transcripts: non-coding transcript variant (6).
Genome position (GRCh38, 1-based): chr12:48,139,331, C>G. VCF-style: chr12-48139331-C-G. GRCh37 (hg19) VCF-style: chr12-48533114-C-G.
Other names: c.1322C>G, p.Ala441Gly (NM_001166686.2, NM_001354737.1, NM_001354738.1 and 1 more transcripts); c.1109C>G, p.Ala370Gly (NM_001166687.2, NM_001166688.2, NM_001354742.2 and 2 more transcripts); c.1418C>G, p.Ala473Gly (NM_001354735.1, NM_001354736.1); c.1253C>G, p.Ala418Gly (NM_001354740.1); c.1133C>G, p.Ala378Gly (NM_001354741.2); c.1022C>G, p.Ala341Gly (NM_001354745.2); c.983C>G, p.Ala328Gly (NM_001354746.2); c.959C>G, p.Ala320Gly (NM_001354747.2, NM_001354748.2); and 1 more; short protein forms A370G, A341G, A473G, A328G, A339G, A418G, A320G, A378G.
Identifiers: ClinVar variation 581564 (VCV000581564.4), dbSNP rs531875148, ClinGen allele CA6537215.

ClinVar aggregate classification (germline): Uncertain significance. Review status: criteria provided, single submitter (1 of 4 stars). 2 submissions from 2 submitters: Uncertain significance (1). 1 of the submissions does not count toward it. Last evaluated 2021-08-27.

Conditions:
Glycogen storage disease, type VII (GSD7). Also called: MUSCLE PHOSPHOFRUCTOKINASE DEFICIENCY; PFKM DEFICIENCY; TARUI DISEASE; GSD VII. Identifiers: Orphanet 371, MedGen C0017926, MONDO:0009295, OMIM 232800.

Allele frequency attached by ClinVar (database versions not stated): gnomAD exomes below 0.00001; ExAC 0.00001; gnomAD 0.00001 and 0.00002; TOPMed 0.00002.
gnomAD v4.1: 14 of 1,613,656 alleles (0.00087%); highest among the groups gnomAD compares: East Asian, 0.0022%; no homozygotes.

Submissions (2):

Labcorp Genetics (formerly Invitae), Labcorp
Classification: Uncertain significance for Glycogen storage disease, type VII. Last evaluated: 2021-08-27. Review status: criteria provided, single submitter. Criteria: Invitae Variant Classification Sherloc (09022015). Collection method: clinical testing. Allele origin: germline.
Comment: This sequence change replaces alanine with glycine at codon 370 of the PFKM protein (p.Ala370Gly). The alanine residue is highly conserved and there is a small physicochemical difference between alanine and glycine. This variant is present in population databases (rs531875148, ExAC 0.001%). This variant has not been reported in the literature in individuals affected with PFKM-related conditions. Algorithms developed to predict the effect of missense changes on protein structure and function are either unavailable or do not agree on the potential impact of this missense change (SIFT: "Deleterious"; PolyPhen-2: "Benign"; Align-GVGD: "Class C0"). In summary, the available evidence is currently insufficient to determine the role of this variant in disease. Therefore, it has been classified as a Variant of Uncertain Significance.

Natera, Inc.
Classification: Uncertain significance for Glycogen storage disease type VII. Last evaluated: 2020-09-16. Review status: no assertion criteria provided. Collection method: clinical testing. Allele origin: germline. Not counted in ClinVar's aggregate classification.